The following is an entry in ClinVar:

ClinVar aggregate classification (germline): Uncertain significance (1 of 4 stars; one submission).

Conditions:
Familial cancer of breast. Also called: hereditary breast carcinoma; BREAST CANCER, FAMILIAL; Hereditary breast cancer. Identifiers: Orphanet 227535, MedGen C0346153, MONDO:0016419, OMIM 114480. Disease mechanism: loss of function.

Submission:

Labcorp Genetics (formerly Invitae), Labcorp
Classification: Uncertain significance for Familial cancer of breast. Last evaluated: 2021-11-30. Review status: criteria provided, single submitter. Criteria: Invitae Variant Classification Sherloc (09022015). Collection method: clinical testing. Allele origin: germline.
Comment: In summary, the available evidence is currently insufficient to determine the role of this variant in disease. Therefore, it has been classified as a Variant of Uncertain Significance. This sequence change replaces serine, which is neutral and polar, with glycine, which is neutral and non-polar, at codon 259 of the PALB2 protein (p.Ser259Gly). This variant is not present in population databases (gnomAD no frequency). This variant has not been reported in the literature in individuals affected with PALB2-related conditions. Algorithms developed to predict the effect of missense changes on protein structure and function output the following: SIFT: "Tolerated"; PolyPhen-2: "Benign"; Align-GVGD: "Class C0". The glycine amino acid residue is found in multiple mammalian species, which suggests that this missense change does not adversely affect protein function.

NM_024675.4(PALB2):c.775A>G (p.Ser259Gly)

Gene: PALB2 (partner and localizer of BRCA2; minus strand). Cytogenetic location: 16p12.2.
Variant type: single nucleotide variant.
Coding change: c.775A>G on transcript NM_024675.4 (MANE Select); coding-DNA position 775, A replaced by G.
Protein change: p.Ser259Gly; replaces serine 259 with glycine.
Molecular consequence: missense variant.
Genome position (GRCh38, 1-based): chr16:23,635,771, T>C on the plus strand (A>G on the coding strand, the complement: PALB2 is on the minus strand). VCF-style: chr16-23635771-T-C. GRCh37 (hg19) VCF-style: chr16-23647092-T-C.
Other names: short protein forms S259G.
Identifiers: ClinVar variation 1474119 (VCV001474119.7), dbSNP rs2142434805, ClinGen allele CA395136096.